The following is an entry in ClinVar:

NM_000551.4(VHL):c.340+584A>T

Genes: VHL (von Hippel-Lindau tumor suppressor; plus strand), LOC107303340 (3p25 von Hippel-Lindau tumor suppressor, E3 ubiquitin protein ligase Alu-mediated recombination region; plus strand). Cytogenetic location: 3p25.3.
Variant type: single nucleotide variant.
Coding change: c.340+584A>T on transcript NM_000551.4 (MANE Select); 584 bases into the intron after coding-DNA position 340, A replaced by T.
Molecular consequence: intron variant. On other transcripts: missense variant (1), non-coding transcript variant (1).
Genome position (GRCh38, 1-based): chr3:10,142,771, A>T. VCF-style: chr3-10142771-A-T. GRCh37 (hg19) VCF-style: chr3-10184455-A-T.
Other names: c.349A>T, p.Thr117Ser (NM_001354723.2); c.340+584A>T (NM_198156.3); short protein forms T117S.
Identifiers: ClinVar variation 2947247 (VCV002947247.3), dbSNP rs2470159876, ClinGen allele CA2740090911.

ClinVar aggregate classification (germline): Uncertain significance (1 of 4 stars; one submission).

Conditions:
Von Hippel-Lindau syndrome (VHLS). Also called: von Hippel–Lindau syndrome; VHL syndrome; Von Hippel-Lindau. Identifiers: Orphanet 892, MedGen C0019562, MONDO:0008667, OMIM 193300. Disease mechanism: loss of function.
Chuvash polycythemia. Also called: POLYCYTHEMIA, VHL-DEPENDENT. Identifiers: Orphanet 238557, MedGen C1837915, MONDO:0009892, OMIM 263400.

Submission:

Labcorp Genetics (formerly Invitae), Labcorp
Classification: Uncertain significance for Von Hippel-Lindau syndrome; Chuvash polycythemia. Last evaluated: 2023-09-06. Review status: criteria provided, single submitter. Criteria: Invitae Variant Classification Sherloc (09022015). Collection method: clinical testing. Allele origin: germline.
Comment: This sequence change falls in intron 1 of the VHL gene. It is not expected to change the encoded amino acid sequence of the VHL protein. However, this sequence change falls within a cryptic exon in the VHL gene, known as exon E1’, which is naturally expressed at low levels in several human tissues (PMID: 29891534). This variant is not present in population databases (gnomAD no frequency). This variant has not been reported in the literature in individuals affected with VHL-related conditions. Algorithms developed to predict the effect of sequence changes on RNA splicing suggest that this variant is not likely to affect RNA splicing. In summary, the available evidence is currently insufficient to determine the role of this variant in disease. Therefore, it has been classified as a Variant of Uncertain Significance.

Literature cited by the submitters: PubMed 29891534.